The following is an entry in ClinVar:

NM_003072.5(SMARCA4):c.950C>T (p.Ala317Val)

Gene: SMARCA4 (SWI/SNF related BAF chromatin remodeling complex subunit ATPase 4; plus strand). Cytogenetic location: 19p13.2.
Variant type: single nucleotide variant.
Coding change: c.950C>T on transcript NM_003072.5 (MANE Select); coding-DNA position 950, C replaced by T.
Protein change: p.Ala317Val; replaces alanine 317 with valine.
Molecular consequence: missense variant. On other transcripts: non-coding transcript variant (1).
Genome position (GRCh38, 1-based): chr19:10,987,756, C>T. VCF-style: chr19-10987756-C-T. GRCh37 (hg19) VCF-style: chr19-11098432-C-T.
Other names: c.950C>T, p.Ala317Val (NM_001128844.3, NM_001128845.2, NM_001128846.2 and 6 more transcripts); short protein forms A317V.
Identifiers: ClinVar variation 4808987 (VCV004808987.1).
Genomic context (GRCh38, chr19:10,987,756, plus strand): 5'-GCACCCCTCAGAAGCTGATTCCCCCGCAGCCAACGGGCCGCCCTTCCCCCGCGCCCCCTG[C>T]CGTCCCACCCGCCGCCTCGCCCGTGATGCCACCGCAGACCCAGTCCCCCGGGCAGCCGGC-3'
Protein context (NP_003063.2, residues 307-327): PTGRPSPAPP[Ala317Val]VPPAASPVMP

ClinVar aggregate classification (germline): Uncertain significance (1 of 4 stars; one submission).

Conditions:
Rhabdoid tumor predisposition syndrome 2 (RTPS2). Identifiers: Orphanet 231108, Orphanet 69077, MedGen C2750074, MONDO:0013224, OMIM 613325.

Submission:

Labcorp Genetics (formerly Invitae), Labcorp
Classification: Uncertain significance for Rhabdoid tumor predisposition syndrome 2. Last evaluated: 2025-10-22. Review status: criteria provided, single submitter. Criteria: Invitae Variant Classification Sherloc (09022015). Collection method: clinical testing. Allele origin: germline.
Comment: This sequence change replaces alanine, which is neutral and non-polar, with valine, which is neutral and non-polar, at codon 317 of the SMARCA4 protein (p.Ala317Val). This variant is not present in population databases (gnomAD no frequency). This variant has not been reported in the literature in individuals affected with SMARCA4-related conditions. Invitae Evidence Modeling of protein sequence and biophysical properties (such as structural, functional, and spatial information, amino acid conservation, physicochemical variation, residue mobility, and thermodynamic stability) indicates that this missense variant is not expected to disrupt SMARCA4 protein function with a negative predictive value of 95%. In summary, the available evidence is currently insufficient to determine the role of this variant in disease. Therefore, it has been classified as a Variant of Uncertain Significance.